The following is an entry in ClinVar:

ClinVar aggregate classification (germline): Uncertain significance (1 of 4 stars; one submission).

Allele frequency attached by ClinVar (database versions not stated): gnomAD exomes below 0.00001.
gnomAD v4.1: 1 of 1,613,020 alleles (0.000062%); highest among the groups gnomAD compares: South Asian, 0.0011%; no homozygotes.

Submission:

Ambry Genetics
Classification: Uncertain significance. Last evaluated: 2021-11-15. Review status: criteria provided, single submitter. Criteria: Ambry Variant Classification Scheme 2023. Collection method: clinical testing. Allele origin: germline.
Comment: The p.C559Y variant (also known as c.1676G>A), located in coding exon 11 of the MYOM1 gene, results from a G to A substitution at nucleotide position 1676. The cysteine at codon 559 is replaced by tyrosine, an amino acid with highly dissimilar properties. This amino acid position is conserved. In addition, this alteration is predicted to be deleterious by in silico analysis. Since supporting evidence is limited at this time, the clinical significance of this alteration remains unclear.

NM_003803.4(MYOM1):c.1676G>A (p.Cys559Tyr)

Gene: MYOM1 (myomesin 1; minus strand). Cytogenetic location: 18p11.31.
Variant type: single nucleotide variant.
Coding change: c.1676G>A on transcript NM_003803.4 (MANE Select); coding-DNA position 1676, G replaced by A.
Protein change: p.Cys559Tyr; replaces cysteine 559 with tyrosine.
Molecular consequence: missense variant.
Genome position (GRCh38, 1-based): chr18:3,151,861, C>T on the plus strand (G>A on the coding strand, the complement: MYOM1 is on the minus strand). VCF-style: chr18-3151861-C-T. GRCh37 (hg19) VCF-style: chr18-3151859-C-T.
Other names: c.1676G>A, p.Cys559Tyr (NM_019856.2); short protein forms C559Y.
Identifiers: ClinVar variation 1777797 (VCV001777797.2), dbSNP rs2510669322, ClinGen allele CA401714336.